The following is an entry in ClinVar:

NM_000629.3(IFNAR1):c.1137_1143+7del

Gene: IFNAR1 (interferon alpha and beta receptor subunit 1; plus strand). Cytogenetic location: 21q22.11.
Variant type: Deletion.
Coding change: c.1137_1143+7del on transcript NM_000629.3 (MANE Select); coding-DNA position 1137 through 7 bases into the intron after coding-DNA position 1143, 14 bases deleted (TGCTGAGGTAAAAA).
Molecular consequence: splice donor variant.
Genome position (GRCh38, 1-based): chr21:33,349,537-33,349,550, TGCTGAGGTAAAAA deleted; deleting any 14 consecutive bases within chr21:33,349,534-33,349,550 gives the same sequence; the c. name uses the placement nearest the transcript's 3' end. VCF-style (leftmost placement, unchanged base first): chr21-33349533-CAAATGCTGAGGTAA-C. GRCh37 (hg19) VCF-style: chr21-34721839-CAAATGCTGAGGTAA-C.
Other names: c.930_936+7del (NM_001384504.1); c.375_381+7del (NM_001384500.1); c.1137_1143+7del (NM_001384498.1, NM_001384503.1, NM_001384499.1); c.1122_1128+7del (NM_001384501.1); c.675_681+7del (NM_001384502.1).
Identifiers: ClinVar variation 5001018 (VCV005001018.1).
Genomic context (GRCh38, chr21:33,349,533, plus strand): 5'-ACACGCCTGTGATCCAGGATTATCCACTGATTTATGAAATTATTTTTTGGGAAAACACTT[CAAATGCTGAGGTAA>C]AAAGACTGTATAGTATAATTTTGTAACTTAGAGTTATAATTATGATTTGGGTAAATAAAG-3'

ClinVar aggregate classification (germline): Uncertain significance (1 of 4 stars; one submission).

Conditions:
IFNAR1-related disorder. Also called: IFNAR1-related condition.

Submission:

PreventionGenetics, part of Exact Sciences
Classification: Uncertain significance for IFNAR1-related condition. Last evaluated: 2025-03-05. Review status: criteria provided, single submitter. Criteria: ACMG Guidelines, 2015. Collection method: clinical testing. Allele origin: germline.
Comment: The IFNAR1 c.1137_1143+7del14 variant is predicted to result in a deletion affecting a canonical splice site. To our knowledge, this variant has not been reported in the literature or in a large population database (gnomAD), indicating this variant is rare. Although we suspect that this variant may be pathogenic, at this time, the clinical significance of this variant is uncertain due to the absence of conclusive functional and genetic evidence.